The following is an entry in ClinVar:

ClinVar aggregate classification (germline): Likely benign. Review status: criteria provided, single submitter (1 of 4 stars). 2 submissions from 2 submitters: Likely benign (1). 1 of the submissions does not count toward it. Last evaluated 2024-10-24.

Conditions:
PSEN1-related disorder. Also called: PSEN1-related condition.
Alzheimer disease 3 (AD3). Also called: ALZHEIMER DISEASE, FAMILIAL, 3. Identifiers: Orphanet 1020, MedGen C1843013, MONDO:0011913, OMIM 607822.
Acne inversa, familial, 3 (ACNINV3). Identifiers: MedGen C3151038, MONDO:0013398, OMIM 613737.
Pick disease. Also called: Pick Disease of the Brain; PICK DISEASE OF BRAIN; LOBAR ATROPHY OF BRAIN; Pick's disease; DEMENTIA WITH LOBAR ATROPHY AND NEURONAL CYTOPLASMIC INCLUSIONS. Identifiers: Orphanet 282, MedGen C0236642, MONDO:0008243, OMIM 172700.
Frontotemporal dementia (FTD1). Also called: FRONTOTEMPORAL LOBAR DEGENERATION WITH TAU INCLUSIONS; FTLD WITH TAU INCLUSIONS; Dementia, frontotemporal, with or without parkinsonism; Frontotemporal lobe dementia (FLDEM); Frontotemporal Dementia with Parkinsonism-17 (FTDP-17); FRONTOTEMPORAL DEMENTIA WITH PARKINSONISM. Identifiers: Orphanet 282, MedGen C0338451, MONDO:0017276, OMIM 600274, HP:0002145.

Allele frequency attached by ClinVar (database versions not stated): ExAC 0.00004; gnomAD exomes 0.00004 and 0.00006; TOPMed 0.00004; gnomAD 0.00006; ESP Exome Variant Server 0.00008.
gnomAD v4.1: 69 of 1,614,004 alleles (0.0043%); highest among the groups gnomAD compares: Middle Eastern, 0.033%; 1 homozygote.

Submissions (2):

Labcorp Genetics (formerly Invitae), Labcorp
Classification: Likely benign for Alzheimer disease 3; Pick disease; Acne inversa, familial, 3; Frontotemporal dementia. Last evaluated: 2024-10-24. Review status: criteria provided, single submitter. Criteria: Invitae Variant Classification Sherloc (09022015). Collection method: clinical testing. Allele origin: germline.

PreventionGenetics, part of Exact Sciences
Classification: Likely benign for PSEN1-related condition. Last evaluated: 2023-12-05. Review status: no assertion criteria provided. Collection method: clinical testing. Allele origin: germline. Not counted in ClinVar's aggregate classification.
Comment: This variant is classified as likely benign based on ACMG/AMP sequence variant interpretation guidelines (Richards et al. 2015 PMID: 25741868, with internal and published modifications).

NM_000021.4(PSEN1):c.909G>A (p.Pro303=)

Gene: PSEN1 (presenilin 1; plus strand). Cytogenetic location: 14q24.2.
Variant type: single nucleotide variant.
Coding change: c.909G>A on transcript NM_000021.4 (MANE Select); coding-DNA position 909, G replaced by A.
Protein change: p.Pro303=; no amino-acid change (proline 303 retained).
Molecular consequence: synonymous variant.
Genome position (GRCh38, 1-based): chr14:73,206,426, G>A. VCF-style: chr14-73206426-G-A. GRCh37 (hg19) VCF-style: chr14-73673134-G-A.
Other names: c.897G>A, p.Pro299= (NM_007318.3); c.909G>A (NM_000021.3).
Identifiers: ClinVar variation 1587846 (VCV001587846.10), dbSNP rs377053325, ClinGen allele CA7256854.